The following is an entry in ClinVar:

NM_001387430.1(SH2B1):c.51G>C (p.Pro17=)

Gene: SH2B1 (SH2B adaptor protein 1; plus strand). Cytogenetic location: 16p11.2.
Variant type: single nucleotide variant.
Coding change: c.51G>C on transcript NM_001387430.1 (MANE Select); coding-DNA position 51, G replaced by C.
Protein change: p.Pro17=; no amino-acid change (proline 17 retained).
Molecular consequence: synonymous variant. On other transcripts: intron variant (1).
Genome position (GRCh38, 1-based): chr16:28,866,145, G>C. VCF-style: chr16-28866145-G-C. GRCh37 (hg19) VCF-style: chr16-28877466-G-C.
Other names: c.51G>C, p.Pro17= (NM_001145795.2, NM_001145796.2, NM_001145797.2 and 4 more transcripts); c.-26-1229G>C (NM_001308294.2).
Identifiers: ClinVar variation 765122 (VCV000765122.8), dbSNP rs751616253, ClinGen allele CA494486602.
Genomic context (GRCh38, chr16:28,866,145, plus strand): 5'-GGGGCCCATCATGAATGGTGCCCCTTCCCCAGAGGACGGGGCCTCCCCCTCGTCTCCCCC[G>C]CTGCCCCCACCCCCGCCCCCTAGTTGGCGGGAGTTCTGTGAGTCCCACGCCCGGGCTGCG-3'
Protein context (NP_001374359.1, residues 7-27): PEDGASPSSP[Pro17=]LPPPPPPSWR

ClinVar aggregate classification (germline): Likely benign. Review status: criteria provided, multiple submitters, no conflicts (2 of 4 stars). 4 submissions from 4 submitters: Likely benign (3). 1 of the submissions does not count toward it. Last evaluated 2024-11-07.

Conditions:
SH2B1-related disorder. Also called: SH2B1-related condition.

Submissions (4):

Blueprint Genetics
Classification: Likely benign. Last evaluated: 2024-11-07. Review status: criteria provided, single submitter. Criteria: ACMG Guidelines, 2015. Collection method: clinical testing. Allele origin: germline.

Labcorp Genetics (formerly Invitae), Labcorp
Classification: Likely benign. Last evaluated: 2019-12-31. Review status: criteria provided, single submitter. Criteria: Invitae Variant Classification Sherloc (09022015). Collection method: clinical testing. Allele origin: germline.

Breakthrough Genomics
Classification: Likely benign. Review status: criteria provided, single submitter. Criteria: ACMG Guidelines, 2015. Collection method: not provided. Allele origin: germline. Inheritance: Unknown mechanism. Affected: yes.

PreventionGenetics, part of Exact Sciences
Classification: Likely benign for SH2B1-related condition. Last evaluated: 2021-05-03. Review status: no assertion criteria provided. Collection method: clinical testing. Allele origin: germline. Not counted in ClinVar's aggregate classification.
Comment: This variant is classified as likely benign based on ACMG/AMP sequence variant interpretation guidelines (Richards et al. 2015 PMID: 25741868, with internal and published modifications).